The following is an entry in ClinVar:

ClinVar aggregate classification (germline): Uncertain significance (1 of 4 stars; one submission).

Conditions:
Deafness-lymphedema-leukemia syndrome. Also called: Emberger syndrome; Lymphedema, primary, with myelodysplasia. Identifiers: Orphanet 3226, MedGen C3279664, MONDO:0013540, OMIM 614038.
Monocytopenia with susceptibility to infections. Also called: Dendritic cell, monocyte, B lymphocyte, and natural killer lymphocyte deficiency; GATA2 DEFICIENCY; IMMUNODEFICIENCY 21; MONOCYTOPENIA AND MYCOBACTERIAL INFECTION SYNDROME; MONOCYTOPENIA WITH SUSCEPTIBILITY TO MYCOBACTERIAL, FUNGAL, AND PAPILLOMAVIRUS INFECTIONS AND MYELODYSPLASIA; COMBINED IMMUNODEFICIENCY WITH SUSCEPTIBILITY TO MYCOBACTERIAL, VIRAL, AND FUNGAL INFECTIONS. Identifiers: Orphanet 228423, MedGen C3280030, MONDO:0013607, OMIM 614172.

Submission:

Labcorp Genetics (formerly Invitae), Labcorp
Classification: Uncertain significance for Monocytopenia with susceptibility to infections; Deafness-lymphedema-leukemia syndrome. Last evaluated: 2023-12-25. Review status: criteria provided, single submitter. Criteria: Invitae Variant Classification Sherloc (09022015). Collection method: clinical testing. Allele origin: germline.
Comment: This sequence change replaces alanine, which is neutral and non-polar, with serine, which is neutral and polar, at codon 157 of the GATA2 protein (p.Ala157Ser). This variant is not present in population databases (gnomAD no frequency). This variant has not been reported in the literature in individuals affected with GATA2-related conditions. ClinVar contains an entry for this variant (Variation ID: 567113). Advanced modeling of protein sequence and biophysical properties (such as structural, functional, and spatial information, amino acid conservation, physicochemical variation, residue mobility, and thermodynamic stability) performed at Invitae indicates that this missense variant is not expected to disrupt GATA2 protein function with a negative predictive value of 95%. In summary, the available evidence is currently insufficient to determine the role of this variant in disease. Therefore, it has been classified as a Variant of Uncertain Significance.

NM_032638.5(GATA2):c.469G>T (p.Ala157Ser)

Gene: GATA2 (GATA binding protein 2; minus strand). Cytogenetic location: 3q21.3.
Variant type: single nucleotide variant.
Coding change: c.469G>T on transcript NM_032638.5 (MANE Select); coding-DNA position 469, G replaced by T.
Protein change: p.Ala157Ser; replaces alanine 157 with serine.
Molecular consequence: missense variant.
Genome position (GRCh38, 1-based): chr3:128,486,129, C>A on the plus strand (G>T on the coding strand, the complement: GATA2 is on the minus strand). VCF-style: chr3-128486129-C-A. GRCh37 (hg19) VCF-style: chr3-128204972-C-A.
Other names: c.469G>T, p.Ala157Ser (NM_001145661.2, NM_001145662.1); short protein forms A157S.
Identifiers: ClinVar variation 567113 (VCV000567113.10), dbSNP rs1559987441, ClinGen allele CA354406689.